The following is an entry in ClinVar:

NM_006545.5(NPRL2):c.788C>T (p.Ala263Val)

Gene: NPRL2 (NPR2 like, GATOR1 complex subunit; minus strand). Cytogenetic location: 3p21.31.
Variant type: single nucleotide variant.
Coding change: c.788C>T on transcript NM_006545.5 (MANE Select); coding-DNA position 788, C replaced by T.
Protein change: p.Ala263Val; replaces alanine 263 with valine.
Molecular consequence: missense variant.
Genome position (GRCh38, 1-based): chr3:50,348,343, G>A on the plus strand (C>T on the coding strand, the complement: NPRL2 is on the minus strand). VCF-style: chr3-50348343-G-A. GRCh37 (hg19) VCF-style: chr3-50385774-G-A.
Other names: short protein forms A263V.
Identifiers: ClinVar variation 3371128 (VCV003371128.1).
Genomic context (GRCh38, chr3:50,348,343, plus strand): 5'-CCCCAAGATGGCTTCCCCCAGAACCCACCACTACCTTGCTTGGTCACGTAGGATAGACAT[G>A]CCTCTTGCAGGGACTTGTCATCTACCAGGTCCTGGACCTTGGGCGTTGGGCAGTATACAT-3'
Protein context (NP_006536.3, residues 253-273): DLVDDKSLQE[Ala263Val]CLSYVTKQGH

ClinVar aggregate classification (germline): Uncertain significance (1 of 4 stars; one submission).

Submission:

GeneDx
Classification: Uncertain significance. Last evaluated: 2024-03-18. Review status: criteria provided, single submitter. Criteria: GeneDx Variant Classification Process June 2021. Collection method: clinical testing. Allele origin: germline. Affected: yes.
Comment: Not observed at significant frequency in large population cohorts (gnomAD); In silico analysis supports a deleterious effect on splicing; In silico analysis supports that this missense variant does not alter protein structure/function; Has not been previously published as pathogenic or benign to our knowledge